The following is an entry in ClinVar:

ClinVar aggregate classification (germline): Uncertain significance (1 of 4 stars; one submission).

Allele frequency attached by ClinVar (database versions not stated): gnomAD exomes below 0.00001; TOPMed below 0.00001; ExAC 0.00001.
gnomAD v4.1: 1 of 1,607,550 alleles (0.000062%); highest among the groups gnomAD compares: African/African-American, 0.0013%; no homozygotes.

Submission:

Ambry Genetics
Classification: Uncertain significance. Last evaluated: 2022-03-30. Review status: criteria provided, single submitter. Criteria: Ambry Variant Classification Scheme 2023. Collection method: clinical testing. Allele origin: germline.
Comment: The p.T124I variant (also known as c.371C>T), located in coding exon 3 of the SLMAP gene, results from a C to T substitution at nucleotide position 371. The threonine at codon 124 is replaced by isoleucine, an amino acid with similar properties. This amino acid position is conserved. In addition, the in silico prediction for this alteration is inconclusive. Since supporting evidence is limited at this time, the clinical significance of this alteration remains unclear.

NM_001377540.1(SLMAP):c.371C>T (p.Thr124Ile)

Gene: SLMAP (sarcolemma associated protein; plus strand). Cytogenetic location: 3p14.3.
Variant type: single nucleotide variant.
Coding change: c.371C>T on transcript NM_001377540.1 (MANE Select); coding-DNA position 371, C replaced by T.
Protein change: p.Thr124Ile; replaces threonine 124 with isoleucine.
Molecular consequence: missense variant. On other transcripts: non-coding transcript variant (1).
Genome position (GRCh38, 1-based): chr3:57,841,323, C>T. VCF-style: chr3-57841323-C-T. GRCh37 (hg19) VCF-style: chr3-57827050-C-T.
Other names: c.371C>T, p.Thr124Ile (NM_001304420.3, NM_001304421.2, NM_001377538.1 and 17 more transcripts); short protein forms T124I.
Identifiers: ClinVar variation 1734269 (VCV001734269.2), dbSNP rs753184737, ClinGen allele CA2466791.